The following is an entry in ClinVar:

NM_000238.4(KCNH2):c.3419del (p.Gly1140fs)

Gene: KCNH2 (potassium voltage-gated channel subfamily H member 2; minus strand). Cytogenetic location: 7q36.1.
Variant type: Deletion.
Coding change: c.3419del on transcript NM_000238.4 (MANE Select); coding-DNA position 3419, one base deleted (G; older notation c.3419delG).
Protein change: p.Gly1140fs; shifts the reading frame from glycine 1140.
Molecular consequence: frameshift variant.
Genome position (GRCh38, 1-based): chr7:150,945,426, C deleted on the plus strand (G on the coding strand, the reverse complement: KCNH2 is on the minus strand); the first of 3 consecutive C bases (chr7:150,945,426-150,945,428); deleting any one gives the same sequence. VCF-style (leftmost placement, unchanged base first): chr7-150945425-GC-G. GRCh37 (hg19) VCF-style: chr7-150642513-GC-G.
Other names: c.3129delG, p.Gly1044Alafs (NM_001406753.1); c.2399del, p.Gly800fs (NM_172057.3); short protein forms G800fs, G1140fs.
Identifiers: ClinVar variation 2102996 (VCV002102996.4), dbSNP rs2485994785, ClinGen allele CA2580077675.

ClinVar aggregate classification (germline): Uncertain significance (1 of 4 stars; one submission).

Conditions:
Long QT syndrome (LQTS). Identifiers: MedGen C0023976, MeSH D008133, MONDO:0002442. Disease mechanism: loss of function. Inheritance: Various modes of inheritance.

Submission:

Labcorp Genetics (formerly Invitae), Labcorp
Classification: Uncertain significance for Long QT syndrome. Last evaluated: 2022-02-24. Review status: criteria provided, single submitter. Criteria: Invitae Variant Classification Sherloc (09022015). Collection method: clinical testing. Allele origin: germline.
Comment: In summary, the available evidence is currently insufficient to determine the role of this variant in disease. Therefore, it has been classified as a Variant of Uncertain Significance. Experimental studies and prediction algorithms are not available or were not evaluated, and the functional significance of this variant is currently unknown. This variant has not been reported in the literature in individuals affected with KCNH2-related conditions. This variant is not present in population databases (gnomAD no frequency). This sequence change results in a frameshift in the KCNH2 gene (p.Gly1140Alafs*115). While this is not anticipated to result in nonsense mediated decay, it is expected to disrupt the last 20 amino acid(s) of the KCNH2 protein and extend the protein by 94 additional amino acid residues.